The following is an entry in ClinVar:

ClinVar aggregate classification (germline): Uncertain significance. Review status: criteria provided, multiple submitters, no conflicts (2 of 4 stars). 2 submissions from 2 submitters: Uncertain significance (2). Last evaluated 2025-01-22.

Conditions:
Inborn genetic diseases. Identifiers: MedGen C0950123, MeSH D030342.

Submissions (2):

Ambry Genetics
Classification: Uncertain significance for Inborn genetic diseases. Last evaluated: 2025-01-22. Review status: criteria provided, single submitter. Criteria: Ambry Variant Classification Scheme 2023. Collection method: clinical testing. Allele origin: germline.
Comment: The p.L193P variant (also known as c.578T>C), located in coding exon 7 of the DDX41 gene, results from a T to C substitution at nucleotide position 578. The leucine at codon 193 is replaced by proline, an amino acid with similar properties. This amino acid position is highly conserved in available vertebrate species. In addition, this alteration is predicted to be deleterious by in silico analysis. Based on the available evidence, the clinical significance of this variant remains unclear.

Labcorp Genetics (formerly Invitae), Labcorp
Classification: Uncertain significance. Last evaluated: 2022-03-12. Review status: criteria provided, single submitter. Criteria: Invitae Variant Classification Sherloc (09022015). Collection method: clinical testing. Allele origin: germline.
Comment: In summary, the available evidence is currently insufficient to determine the role of this variant in disease. Therefore, it has been classified as a Variant of Uncertain Significance. Algorithms developed to predict the effect of missense changes on protein structure and function are either unavailable or do not agree on the potential impact of this missense change (SIFT: "Not Available"; PolyPhen-2: "Probably Damaging"; Align-GVGD: "Not Available"). This missense change has been observed in individual(s) with myelodysplastic syndrome (Invitae). This variant is not present in population databases (gnomAD no frequency). This sequence change replaces leucine, which is neutral and non-polar, with proline, which is neutral and non-polar, at codon 193 of the DDX41 protein (p.Leu193Pro).

NM_016222.4(DDX41):c.578T>C (p.Leu193Pro)

Gene: DDX41 (DEAD-box helicase 41; minus strand). Cytogenetic location: 5q35.3.
Variant type: single nucleotide variant.
Coding change: c.578T>C on transcript NM_016222.4 (MANE Select); coding-DNA position 578, T replaced by C.
Protein change: p.Leu193Pro; replaces leucine 193 with proline.
Molecular consequence: missense variant.
Genome position (GRCh38, 1-based): chr5:177,515,252, A>G on the plus strand (T>C on the coding strand, the complement: DDX41 is on the minus strand). VCF-style: chr5-177515252-A-G. GRCh37 (hg19) VCF-style: chr5-176942253-A-G.
Other names: c.200T>C, p.Leu67Pro (NM_001321732.2, NM_001321830.2); c.578T>C (NM_016222.2); short protein forms L193P, L67P.
Identifiers: ClinVar variation 2110372 (VCV002110372.5), dbSNP rs2532085869, ClinGen allele CA362375759.